The following is an entry in ClinVar:

ClinVar aggregate classification (germline): Likely benign. Review status: criteria provided, multiple submitters, no conflicts (2 of 4 stars). 7 submissions from 7 submitters: Likely benign (6). 1 of the submissions does not count toward it. Last evaluated 2026-01-07.

Conditions:
Hereditary cancer-predisposing syndrome. Also called: Hereditary neoplastic syndrome; Tumor predisposition; Neoplastic Syndromes, Hereditary; Hereditary Cancer Syndrome. Identifiers: Orphanet 140162, MedGen C0027672, MeSH D009386, MONDO:0015356.
Neurofibromatosis, type 2 (SWNV). Also called: SCHWANNOMATOSIS, VESTIBULAR; NF2-Related Schwannomatosis; BILATERAL ACOUSTIC NEUROFIBROMATOSIS. Identifiers: Orphanet 637, MedGen C0027832, MONDO:0007039, OMIM 101000. Disease mechanism: loss of function.
NF2-related disorder. Also called: NF2-related condition.

Allele frequency attached by ClinVar (database versions not stated): gnomAD exomes 0.00001 and 0.00002; ExAC 0.00002; TOPMed 0.00003; gnomAD 0.00004 and 0.00005.

Submissions (7):

Labcorp Genetics (formerly Invitae), Labcorp
Classification: Likely benign for Neurofibromatosis, type 2. Last evaluated: 2026-01-07. Review status: criteria provided, single submitter. Criteria: Invitae Variant Classification Sherloc (09022015). Collection method: clinical testing. Allele origin: germline.

All of Us Research Program, National Institutes of Health
Classification: Likely benign for Neurofibromatosis, type 2. Last evaluated: 2023-12-01. Review status: criteria provided, single submitter. Criteria: ACMG Guidelines, 2015. Collection method: clinical testing. Allele origin: germline. Inheritance: Autosomal dominant inheritance. Observed: 6 variant alleles, 6 heterozygotes.
Comment: This study involves interpretation of variants in research participants for the purpose of population health screening. Participant phenotype was not available at the time of variant classification. Additional details can be found in publication PMID: 35346344, PMCID: PMC8962531

Color Diagnostics, LLC DBA Color Health
Classification: Likely benign for Neurofibromatosis, type 2. Last evaluated: 2022-04-22. Review status: criteria provided, single submitter. Criteria: ACMG Guidelines, 2015. Collection method: clinical testing. Allele origin: germline.

Blueprint Genetics
Classification: Likely benign. Last evaluated: 2020-02-07. Review status: criteria provided, single submitter. Criteria: ACMG Guidelines, 2015. Collection method: clinical testing. Allele origin: germline.

Ambry Genetics
Classification: Likely benign for Hereditary cancer-predisposing syndrome. Last evaluated: 2019-11-26. Review status: criteria provided, single submitter. Criteria: Ambry Variant Classification Scheme 2023. Collection method: clinical testing. Allele origin: germline.

GeneDx
Classification: Likely benign. Last evaluated: 2018-04-10. Review status: criteria provided, single submitter. Criteria: GeneDx Variant Classification (06012015). Collection method: clinical testing. Allele origin: germline. Affected: yes.
Comment: This variant is considered likely benign or benign based on one or more of the following criteria: it is a conservative change, it occurs at a poorly conserved position in the protein, it is predicted to be benign by multiple in silico algorithms, and/or has population frequency not consistent with disease.

PreventionGenetics, part of Exact Sciences
Classification: Likely benign for NF2-related condition. Last evaluated: 2019-05-29. Review status: no assertion criteria provided. Collection method: clinical testing. Allele origin: germline. Not counted in ClinVar's aggregate classification.
Comment: This variant is classified as likely benign based on ACMG/AMP sequence variant interpretation guidelines (Richards et al. 2015 PMID: 25741868, with internal and published modifications).

NM_000268.4(NF2):c.1698C>T (p.Ser566=)

Gene: NF2 (NF2, moesin-ezrin-radixin like (MERLIN) tumor suppressor; plus strand). Cytogenetic location: 22q12.2.
Variant type: single nucleotide variant.
Coding change: c.1698C>T on transcript NM_000268.4 (MANE Select); coding-DNA position 1698, C replaced by T.
Protein change: p.Ser566=; no amino-acid change (serine 566 retained).
Molecular consequence: synonymous variant. On other transcripts: non-coding transcript variant (1), intron variant (1).
Genome position (GRCh38, 1-based): chr22:29,681,562, C>T. VCF-style: chr22-29681562-C-T. GRCh37 (hg19) VCF-style: chr22-30077551-C-T.
Other names: c.1698C>T, p.Ser566= (NM_016418.5, NM_181825.3, NM_181832.3); c.1572C>T, p.Ser524= (NM_181828.3); c.1575C>T, p.Ser525= (NM_181829.3); c.1449C>T, p.Ser483= (NM_181830.3, NM_181831.3); c.448-13190C>T (NM_181833.3); c.1698C>T (NM_181832.2).
Identifiers: ClinVar variation 527722 (VCV000527722.20), dbSNP rs751987156, ClinGen allele CA032634.